The following is an entry in ClinVar:

ClinVar aggregate classification (germline): Uncertain significance (1 of 4 stars; one submission).

Conditions:
Hereditary cancer-predisposing syndrome. Also called: Neoplastic Syndromes, Hereditary; Tumor predisposition; Hereditary neoplastic syndrome; Hereditary Cancer Syndrome. Identifiers: Orphanet 140162, MedGen C0027672, MeSH D009386, MONDO:0015356.

Submission:

Ambry Genetics
Classification: Uncertain significance for Hereditary cancer-predisposing syndrome. Last evaluated: 2023-12-29. Review status: criteria provided, single submitter. Criteria: Ambry Variant Classification Scheme 2023. Collection method: clinical testing. Allele origin: germline.
Comment: The p.R1025S variant (also known as c.3073C>A), located in coding exon 18 of the PTCH1 gene, results from a C to A substitution at nucleotide position 3073. The arginine at codon 1025 is replaced by serine, an amino acid with dissimilar properties. This amino acid position is conserved. In addition, this alteration is predicted to be deleterious by in silico analysis. Since supporting evidence is limited at this time, the clinical significance of this alteration remains unclear.

NM_000264.5(PTCH1):c.3073C>A (p.Arg1025Ser)

Gene: PTCH1 (patched 1; minus strand). Cytogenetic location: 9q22.32.
Variant type: single nucleotide variant.
Coding change: c.3073C>A on transcript NM_000264.5 (MANE Select); coding-DNA position 3073, C replaced by A.
Protein change: p.Arg1025Ser; replaces arginine 1025 with serine.
Molecular consequence: missense variant. On other transcripts: non-coding transcript variant (1).
Genome position (GRCh38, 1-based): chr9:95,458,108, G>T on the plus strand (C>A on the coding strand, the complement: PTCH1 is on the minus strand). VCF-style: chr9-95458108-G-T. GRCh37 (hg19) VCF-style: chr9-98220390-G-T.
Other names: c.2875C>A, p.Arg959Ser (NM_001083602.3); c.3070C>A, p.Arg1024Ser (NM_001083603.3); c.2620C>A, p.Arg874Ser (NM_001083604.3, NM_001083605.3, NM_001083606.3 and 1 more transcripts); c.2917C>A, p.Arg973Ser (NM_001354918.2); short protein forms R1024S, R1025S, R874S, R959S, R973S.
Identifiers: ClinVar variation 3231002 (VCV003231002.1), dbSNP rs1839109856, ClinGen allele CA374112446.
Genomic context (GRCh38, chr9:95,458,108, plus strand): 5'-CAGCGCACACGAGGAATGTGCAGGCCAACACCACGCTGATGAACAGCAGCAGCCAGTGGC[G>T]GAGGCCGATGTACTGCTCCCAGAAGAGGAAGGGGTAGCCGTTGGGGTAACTGGACAGCCC-3'
Protein context (NP_000255.2, residues 1015-1035): FLFWEQYIGL[Arg1025Ser]HWLLLFISVV